The following is an entry in ClinVar:

ClinVar aggregate classification (germline): Pathogenic (1 of 4 stars; one submission).

Submission:

Labcorp Genetics (formerly Invitae), Labcorp
Classification: Pathogenic. Last evaluated: 2019-05-30. Review status: criteria provided, single submitter. Criteria: Invitae Variant Classification Sherloc (09022015). Collection method: clinical testing. Allele origin: germline.
Comment: This sequence change creates a premature translational stop signal (p.Trp948*) in the FAT1 gene. It is expected to result in an absent or disrupted protein product. For these reasons, this variant has been classified as Pathogenic. Loss-of-function variants in FAT1 are known to be pathogenic (PMID: 30862798). This variant has not been reported in the literature in individuals with FAT1-related conditions. This variant is not present in population databases (ExAC no frequency).

Literature cited by the submitters: PubMed 30862798.

NM_005245.4(FAT1):c.2844G>A (p.Trp948Ter)

Gene: FAT1 (FAT atypical cadherin 1; minus strand). Cytogenetic location: 4q35.2.
Variant type: single nucleotide variant.
Coding change: c.2844G>A on transcript NM_005245.4 (MANE Select); coding-DNA position 2844, G replaced by A.
Protein change: p.Trp948Ter; replaces tryptophan 948 with a stop codon.
Molecular consequence: nonsense.
Genome position (GRCh38, 1-based): chr4:186,706,984, C>T on the plus strand (G>A on the coding strand, the complement: FAT1 is on the minus strand). VCF-style: chr4-186706984-C-T. GRCh37 (hg19) VCF-style: chr4-187628138-C-T.
Other names: short protein forms W948*.
Identifiers: ClinVar variation 940489 (VCV000940489.7), dbSNP rs1744650400, ClinGen allele CA358985283.